The following is an entry in ClinVar:

NM_139276.3(STAT3):c.1392C>T (p.Ile464=)

Gene: STAT3 (signal transducer and activator of transcription 3; minus strand). Cytogenetic location: 17q21.2.
Variant type: single nucleotide variant.
Coding change: c.1392C>T on transcript NM_139276.3 (MANE Select); coding-DNA position 1392, C replaced by T.
Protein change: p.Ile464=; no amino-acid change (isoleucine 464 retained).
Molecular consequence: synonymous variant.
Genome position (GRCh38, 1-based): chr17:42,325,035, G>A on the plus strand (C>T on the coding strand, the complement: STAT3 is on the minus strand). VCF-style: chr17-42325035-G-A. GRCh37 (hg19) VCF-style: chr17-40477053-G-A.
Other names: c.1392C>T, p.Ile464= (NM_001369512.1, NM_001369513.1, NM_001369514.1 and 11 more transcripts); c.1308C>T, p.Ile436= (NM_001384984.1); c.1314C>T, p.Ile438= (NM_001384985.1); c.1407C>T, p.Ile469= (NM_001384986.1, NM_001384990.1); c.1296C>T, p.Ile432= (NM_001384989.1); c.1332C>T, p.Ile444= (NM_001384992.1).
Identifiers: ClinVar variation 3058126 (VCV003058126.2), dbSNP rs2509260636, ClinGen allele CA500061765.
Genomic context (GRCh38, chr17:42,325,035, plus strand): 5'-GGTCAGCATGTTGTACCACAGGATGGACGCCCAGGCATTTGGCATCTGACAGATGTTGGA[G>A]ATCACCACAACTGGCAAGGAGTGGGTCTGCGGAGGGAGTGGGGACTGAGCTGGGGAGGCA-3'
Protein context (NP_644805.1, residues 454-474): LETHSLPVVV[Ile464=]SNICQMPNAW

ClinVar aggregate classification (germline): Likely benign (0 of 4 stars; one submission).

Conditions:
STAT3-related disorder. Also called: STAT3-related condition.

Allele frequency attached by ClinVar (database versions not stated): gnomAD exomes below 0.00001.
gnomAD v4.1: 2 of 1,614,060 alleles (0.00012%); highest among the groups gnomAD compares: Non-Finnish European, 0.00017%; no homozygotes.

Submission:

PreventionGenetics, part of Exact Sciences
Classification: Likely benign for STAT3-related condition. Last evaluated: 2021-10-13. Review status: no assertion criteria provided. Collection method: clinical testing. Allele origin: germline.
Comment: This variant is classified as likely benign based on ACMG/AMP sequence variant interpretation guidelines (Richards et al. 2015 PMID: 25741868, with internal and published modifications).